The following is an entry in ClinVar:

NM_001378778.1(MPDZ):c.2518A>G (p.Thr840Ala)

Gene: MPDZ (multiple PDZ domain crumbs cell polarity complex component; minus strand). Cytogenetic location: 9p23.
Variant type: single nucleotide variant.
Coding change: c.2518A>G on transcript NM_001378778.1 (MANE Select); coding-DNA position 2518, A replaced by G.
Protein change: p.Thr840Ala; replaces threonine 840 with alanine.
Molecular consequence: missense variant.
Genome position (GRCh38, 1-based): chr9:13,183,549, T>C on the plus strand (A>G on the coding strand, the complement: MPDZ is on the minus strand). VCF-style: chr9-13183549-T-C. GRCh37 (hg19) VCF-style: chr9-13183548-T-C.
Other names: c.2518A>G, p.Thr840Ala (NM_001261406.2, NM_001261407.2, NM_001330637.2 and 14 more transcripts); short protein forms T840A.
Identifiers: ClinVar variation 723389 (VCV000723389.14), dbSNP rs114565489, ClinGen allele CA4987425.

ClinVar aggregate classification (germline): Benign. Review status: criteria provided, multiple submitters, no conflicts (2 of 4 stars). 3 submissions from 3 submitters: Benign (2). 1 of the submissions does not count toward it. Last evaluated 2026-01-20.

Conditions:
MPDZ-related disorder. Also called: MPDZ-related condition.

Allele frequency attached by ClinVar (database versions not stated): gnomAD exomes 0.00192; ExAC 0.00244; 1000 Genomes Project 0.00739; 1000 Genomes Project 30x 0.00781; gnomAD 0.00790 and 0.00849; ESP Exome Variant Server 0.00821; TOPMed 0.00846.
gnomAD v4.1: 2,348 of 1,612,562 alleles (0.15%); highest among the groups gnomAD compares: African/African-American, 2.8%; 27 homozygotes.

Submissions (3):

Labcorp Genetics (formerly Invitae), Labcorp
Classification: Benign. Last evaluated: 2026-01-20. Review status: criteria provided, single submitter. Criteria: Invitae Variant Classification Sherloc (09022015). Collection method: clinical testing. Allele origin: germline.

Breakthrough Genomics
Classification: Benign. Review status: criteria provided, single submitter. Criteria: ACMG Guidelines, 2015. Collection method: not provided. Allele origin: germline. Inheritance: Autosomal recessive inheritance. Affected: yes.

PreventionGenetics, part of Exact Sciences
Classification: Likely benign for MPDZ-related condition. Last evaluated: 2019-03-11. Review status: no assertion criteria provided. Collection method: clinical testing. Allele origin: germline. Not counted in ClinVar's aggregate classification.
Comment: This variant is classified as likely benign based on ACMG/AMP sequence variant interpretation guidelines (Richards et al. 2015 PMID: 25741868, with internal and published modifications).